The following is an entry in ClinVar:

NM_001201427.2(DAAM2):c.2968C>T (p.Arg990Cys)

Gene: DAAM2 (dishevelled associated activator of morphogenesis 2; plus strand). Cytogenetic location: 6p21.2.
Variant type: single nucleotide variant.
Coding change: c.2968C>T on transcript NM_001201427.2 (MANE Select); coding-DNA position 2968, C replaced by T.
Protein change: p.Arg990Cys; replaces arginine 990 with cysteine.
Molecular consequence: missense variant.
Genome position (GRCh38, 1-based): chr6:39,901,458, C>T. VCF-style: chr6-39901458-C-T. GRCh37 (hg19) VCF-style: chr6-39869234-C-T.
Other names: c.2965C>T, p.Arg989Cys (NM_015345.4); short protein forms R989C, R990C.
Identifiers: ClinVar variation 4237286 (VCV004237286.3).

ClinVar aggregate classification (germline): Uncertain significance. Review status: criteria provided, multiple submitters, no conflicts (2 of 4 stars). 2 submissions from 2 submitters: Uncertain significance (2). Last evaluated 2025-08-25.

Conditions:
Inborn genetic diseases. Identifiers: MedGen C0950123, MeSH D030342.
Nephrotic syndrome, type 24. Identifiers: Orphanet 567548, MedGen C5543267, MONDO:0031008, OMIM 619263.

gnomAD v4.1: 221 of 1,607,322 alleles (0.014%); highest among the groups gnomAD compares: Middle Eastern, 0.017%; no homozygotes.

Submissions (2):

Ambry Genetics
Classification: Uncertain significance for Inborn genetic diseases. Last evaluated: 2025-08-25. Review status: criteria provided, single submitter. Criteria: Ambry Variant Classification Scheme 2023. Collection method: clinical testing. Allele origin: germline.

Victorian Clinical Genetics Services, Murdoch Childrens Research Institute
Classification: Uncertain significance for Nephrotic syndrome, type 24. Last evaluated: 2025-08-20. Review status: criteria provided, single submitter. Criteria: ACMG Guidelines, 2015. Collection method: clinical testing. Allele origin: germline. Affected: yes.
Comment: This variant is classified as VUS-3C. Evidence in support of pathogenic classification: Variant is present in gnomAD <0.01 for a recessive condition (v4: 221 heterozygote(s), 0 homozygote(s)); Missense variant predicted to be damaging by in silico tool(s) or highly conserved with a major amino acid change. Additional information: Variant is predicted to result in a missense amino acid change from Arg to Cys; This variant is heterozygous; This gene is associated with autosomal recessive disease; Alternative amino acid change(s) at the same position are present in gnomAD (Highest allele count: v4: 3142 heterozygote(s), 7 homozygote(s)); This variant has no previous evidence of pathogenicity; No published evidence of segregation with disease has been identified for this variant; No published functional evidence has been identified for this variant; Other missense variant(s) comparable to the one identified in this case have inconclusive previous evidence for pathogenicity. p.(Arg990His) has been classified as a VUS, while p.(Arg990Leu) has been classified as likely benign by clinical laboratories in ClinVar; Variant is not located in an established domain, motif, hotspot or informative constraint region; Loss of function is a known mechanism of disease in this gene and is associated with nephrotic syndrome, type 24 (MIM#619263); Inheritance information for this variant is not currently available in this individual.